The following is an entry in ClinVar:

ClinVar aggregate classification (germline): Uncertain significance (1 of 4 stars; one submission).

gnomAD v4.1: 9 of 1,603,502 alleles (0.00056%); highest among the groups gnomAD compares: Admixed American, 0.015%; 1 homozygote.

Submission:

Labcorp Genetics (formerly Invitae), Labcorp
Classification: Uncertain significance. Last evaluated: 2022-11-08. Review status: criteria provided, single submitter. Criteria: Invitae Variant Classification Sherloc (09022015). Collection method: clinical testing. Allele origin: germline.
Comment: This variant is present in population databases (no rsID available, gnomAD 0.03%). This variant has not been reported in the literature in individuals affected with KIAA1549-related conditions. This sequence change replaces serine, which is neutral and polar, with asparagine, which is neutral and polar, at codon 593 of the KIAA1549 protein (p.Ser593Asn). Algorithms developed to predict the effect of missense changes on protein structure and function are either unavailable or do not agree on the potential impact of this missense change (SIFT: "Deleterious"; PolyPhen-2: "Benign"; Align-GVGD: "Class C0"). In summary, the available evidence is currently insufficient to determine the role of this variant in disease. Therefore, it has been classified as a Variant of Uncertain Significance.

NM_001164665.2(KIAA1549):c.1778G>A (p.Ser593Asn)

Gene: KIAA1549 (KIAA1549; minus strand). Cytogenetic location: 7q34.
Variant type: single nucleotide variant.
Coding change: c.1778G>A on transcript NM_001164665.2 (MANE Select); coding-DNA position 1778, G replaced by A.
Protein change: p.Ser593Asn; replaces serine 593 with asparagine.
Molecular consequence: missense variant.
Genome position (GRCh38, 1-based): chr7:138,917,848, C>T on the plus strand (G>A on the coding strand, the complement: KIAA1549 is on the minus strand). VCF-style: chr7-138917848-C-T. GRCh37 (hg19) VCF-style: chr7-138602594-C-T.
Other names: c.1778G>A, p.Ser593Asn (NM_020910.3); short protein forms S593N.
Identifiers: ClinVar variation 1943637 (VCV001943637.5), dbSNP rs959779444, ClinGen allele CA167163703.
Genomic context (GRCh38, chr7:138,917,848, plus strand): 5'-TCAGAAAAACTGGAACGTTCTTGGTCAGAGAAAAGTGAAGACTCCACTGAAGGAACCAGA[C>T]TATAAGGCGTAAAAACACTCGGGTCTCTGACGGCAAGCGACGGTGTGTTTTTGTTTGCTA-3'
Protein context (NP_001158137.1, residues 583-603): VRDPSVFTPY[Ser593Asn]LVPSVESSLF